The following is an entry in ClinVar:

ClinVar aggregate classification (germline): Uncertain significance. Review status: criteria provided, multiple submitters, no conflicts (2 of 4 stars). 5 submissions from 5 submitters: Uncertain significance (4). 1 of the submissions does not count toward it. Last evaluated 2025-11-21.

Conditions:
Familial cancer of breast. Also called: hereditary breast carcinoma; BREAST CANCER, FAMILIAL; Hereditary breast cancer. Identifiers: Orphanet 227535, MedGen C0346153, MONDO:0016419, OMIM 114480. Disease mechanism: loss of function.
Hereditary cancer-predisposing syndrome. Also called: Hereditary neoplastic syndrome; Tumor predisposition; Neoplastic Syndromes, Hereditary; Hereditary Cancer Syndrome. Identifiers: Orphanet 140162, MedGen C0027672, MeSH D009386, MONDO:0015356.
Ataxia-telangiectasia syndrome (AT). Also called: Ataxia telangiectasia (A-T); Cerebello-oculocutaneous telangiectasia; Immunodeficiency with ataxia telangiectasia; AT, COMPLEMENTATION GROUP C; ATAXIA-TELANGIECTASIA, COMPLEMENTATION GROUP A; ATAXIA-TELANGIECTASIA, FRESNO VARIANT. Identifiers: Orphanet 100, MedGen C0004135, MONDO:0008840, OMIM 208900.

Allele frequency attached by ClinVar (database versions not stated): gnomAD exomes below 0.00001.

Submissions (5):

Labcorp Genetics (formerly Invitae), Labcorp
Classification: Uncertain significance for Ataxia-telangiectasia syndrome. Last evaluated: 2025-11-21. Review status: criteria provided, single submitter. Criteria: Invitae Variant Classification Sherloc (09022015). Collection method: clinical testing. Allele origin: germline.
Comment: This sequence change replaces methionine, which is neutral and non-polar, with threonine, which is neutral and polar, at codon 1087 of the ATM protein (p.Met1087Thr). This variant is present in population databases (no rsID available, gnomAD 0.0009%). This variant has not been reported in the literature in individuals affected with ATM-related conditions. ClinVar contains an entry for this variant (Variation ID: 861038). Invitae Evidence Modeling of protein sequence and biophysical properties (such as structural, functional, and spatial information, amino acid conservation, physicochemical variation, residue mobility, and thermodynamic stability) indicates that this missense variant is not expected to disrupt ATM protein function with a negative predictive value of 95%. In summary, the available evidence is currently insufficient to determine the role of this variant in disease. Therefore, it has been classified as a Variant of Uncertain Significance.

Ambry Genetics
Classification: Uncertain significance for Hereditary cancer-predisposing syndrome. Last evaluated: 2024-06-07. Review status: criteria provided, single submitter. Criteria: Ambry Variant Classification Scheme 2023. Collection method: clinical testing. Allele origin: germline.
Comment: The p.M1087T variant (also known as c.3260T>C), located in coding exon 21 of the ATM gene, results from a T to C substitution at nucleotide position 3260. The methionine at codon 1087 is replaced by threonine, an amino acid with similar properties. This amino acid position is well conserved in available vertebrate species. In addition, the in silico prediction for this alteration is inconclusive. Since supporting evidence is limited at this time, the clinical significance of this alteration remains unclear.

Baylor Genetics
Classification: Uncertain significance for Familial cancer of breast. Last evaluated: 2023-06-29. Review status: criteria provided, single submitter. Criteria: ACMG Guidelines, 2015. Collection method: clinical testing. Allele origin: unknown.

Color Diagnostics, LLC DBA Color Health
Classification: Uncertain significance for Hereditary cancer-predisposing syndrome. Last evaluated: 2020-06-08. Review status: criteria provided, single submitter. Criteria: ACMG Guidelines, 2015. Collection method: clinical testing. Allele origin: germline.
Comment: This missense variant replaces methionine with threonine at codon 1087 of the ATM protein. Computational prediction suggests that this variant may not impact protein structure and function (internally defined REVEL score threshold <= 0.5, PMID: 27666373). To our knowledge, functional studies have not been reported for this variant. This variant has not been reported in individuals affected with hereditary cancer in the literature. This variant has been identified in 1/251188 chromosomes in the general population by the Genome Aggregation Database (gnomAD). The available evidence is insufficient to determine the role of this variant in disease conclusively. Therefore, this variant is classified as a Variant of Uncertain Significance.

Natera, Inc.
Classification: Uncertain significance for Ataxia-telangiectasia. Last evaluated: 2021-09-28. Review status: no assertion criteria provided. Collection method: clinical testing. Allele origin: germline. Not counted in ClinVar's aggregate classification.

NM_000051.4(ATM):c.3260T>C (p.Met1087Thr)

Gene: ATM (ATM serine/threonine kinase; plus strand). Cytogenetic location: 11q22.3.
Variant type: single nucleotide variant.
Coding change: c.3260T>C on transcript NM_000051.4 (MANE Select); coding-DNA position 3260, T replaced by C.
Protein change: p.Met1087Thr; replaces methionine 1087 with threonine.
Molecular consequence: missense variant.
Genome position (GRCh38, 1-based): chr11:108,272,828, T>C. VCF-style: chr11-108272828-T-C. GRCh37 (hg19) VCF-style: chr11-108143555-T-C.
Other names: c.3260T>C, p.Met1087Thr (NM_001351834.2); short protein forms M1087T.
Identifiers: ClinVar variation 861038 (VCV000861038.20), dbSNP rs1460583900, ClinGen allele CA382516125.